The following is an entry in ClinVar:

NM_001374828.1(ARID1B):c.3170C>G (p.Ser1057Cys)

Gene: ARID1B (AT-rich interaction domain 1B; plus strand). Cytogenetic location: 6q25.3.
Variant type: single nucleotide variant.
Coding change: c.3170C>G on transcript NM_001374828.1 (MANE Select); coding-DNA position 3170, C replaced by G.
Protein change: p.Ser1057Cys; replaces serine 1057 with cysteine.
Molecular consequence: missense variant.
Genome position (GRCh38, 1-based): chr6:157,167,120, C>G. VCF-style: chr6-157167120-C-G. GRCh37 (hg19) VCF-style: chr6-157488254-C-G.
Other names: c.2960C>G, p.Ser987Cys (NM_020732.3); c.671C>G, p.Ser224Cys (NM_001363725.2); c.3209C>G, p.Ser1070Cys (NM_001371656.1, NM_001374820.1); c.3170C>G, p.Ser1057Cys (NM_017519.3); short protein forms S987C, S224C, S1057C, S1070C.
Identifiers: ClinVar variation 381829 (VCV000381829.2), dbSNP rs780818465, ClinGen allele CA4067218.

ClinVar aggregate classification (germline): Uncertain significance (1 of 4 stars; one submission).

Allele frequency attached by ClinVar (database versions not stated): gnomAD exomes below 0.00001 and 0.00001; ExAC 0.00001; gnomAD 0.00001; TOPMed 0.00001.
gnomAD v4.1: 8 of 1,612,258 alleles (0.0005%); highest among the groups gnomAD compares: Non-Finnish European, 0.00068%; no homozygotes.

Submission:

GeneDx
Classification: Uncertain significance. Last evaluated: 2015-12-08. Review status: criteria provided, single submitter. Criteria: GeneDx Variant Classification (06012015). Collection method: clinical testing. Allele origin: germline. Affected: yes.
Comment: The S987C variant in the ARID1B gene has not been reported previously as a pathogenic variant, nor as a benign variant, to our knowledge. The S987C variant was not observed in approximately 6500 individuals of European and African American ancestry in the NHLBI Exome Sequencing Project, indicating it is not a common benign variant in these populations. The S987C variant is a non-conservative amino acid substitution, which is likely to impact secondary protein structure as these residues differ in polarity, charge, size and/or other properties. This substitution occurs at a position that is conserved across species. In silico analysis predicts this variant is probably damaging to the protein structure/function. We interpret S987C as a variant of uncertain significance.